The following is an entry in ClinVar:

NM_001267550.2(TTN):c.105605_105606del (p.Val35202fs)

Genes: TTN (titin; minus strand), TTN-AS1 (TTN antisense RNA 1; plus strand), LOC129935183 (ATAC-STARR-seq lymphoblastoid active region 16808; plus strand). Cytogenetic location: 2q31.2.
Variant type: Deletion.
Coding change: c.105605_105606del on transcript NM_001267550.2 (MANE Select); coding-DNA positions 105605 to 105606, 2 bases deleted (TG; older notation c.105605_105606delTG).
Protein change: p.Val35202fs; shifts the reading frame from valine 35202.
Molecular consequence: frameshift variant.
Genome position (GRCh38, 1-based): chr2:178,531,009-178,531,010, CA deleted on the plus strand (TG on the coding strand, the reverse complement: TTN is on the minus strand); deleting any 2 consecutive bases within chr2:178,531,009-178,531,011 gives the same sequence; the c. name uses the placement nearest the transcript's 3' end. VCF-style (leftmost placement, unchanged base first): chr2-178531008-CCA-C. GRCh37 (hg19) VCF-style: chr2-179395735-CCA-C.
Other names: c.100682_100683del, p.Val33561fs (NM_001256850.1); c.78410_78411del, p.Val26137fs (NM_003319.4); c.97901_97902del, p.Val32634fs (NM_133378.4); c.78785_78786del, p.Val26262fs (NM_133432.3); c.78986_78987del, p.Val26329fs (NM_133437.4); c.105605_105606delTG (NM_001267550.2); short protein forms V26262fs, V26329fs, V26137fs, V32634fs, V33561fs, V35202fs.
Identifiers: ClinVar variation 286725 (VCV000286725.8), dbSNP rs886043462, ClinGen allele CA10605549.

ClinVar aggregate classification (germline): Likely pathogenic. Review status: criteria provided, multiple submitters, no conflicts (2 of 4 stars). 3 submissions from 3 submitters: Likely pathogenic (2). 1 of the submissions does not count toward it. Last evaluated 2024-04-16.

Conditions:
TTN-related disorder. Also called: TTN-related condition; TTN-related disease; TTN-related disorders.
Dilated cardiomyopathy 1G (CMD1G). Identifiers: Orphanet 154, MedGen C1858763, MONDO:0011400, OMIM 604145.
Autosomal recessive limb-girdle muscular dystrophy type 2J (LGMDR10). Also called: Limb-girdle muscular dystrophy, type 2J; MUSCULAR DYSTROPHY, LIMB-GIRDLE, AUTOSOMAL RECESSIVE 10. Identifiers: Orphanet 140922, MedGen C1837342, MONDO:0012127, OMIM 608807.

Submissions (3):

Labcorp Genetics (formerly Invitae), Labcorp
Classification: Likely pathogenic for Dilated cardiomyopathy 1G; Autosomal recessive limb-girdle muscular dystrophy type 2J. Last evaluated: 2024-04-16. Review status: criteria provided, single submitter. Criteria: Invitae Variant Classification Sherloc (09022015). Collection method: clinical testing. Allele origin: germline.
Comment: This sequence change creates a premature translational stop signal (p.Val35202Glyfs*5) in the TTN gene. While this is not anticipated to result in nonsense mediated decay, it is expected to create a truncated TTN protein. The frequency data for this variant in the population databases is considered unreliable, as metrics indicate poor data quality at this position in the gnomAD database. This variant has not been reported in the literature in individuals affected with TTN-related conditions. ClinVar contains an entry for this variant (Variation ID: 286725). This variant is located in the M band of TTN (PMID: 25589632). Truncating variants in this region have been previously reported in individuals affected with autosomal recessive myopathy and muscular dystrophy (PMID: 18948003, 23975875, 24395473). Truncating variants in this region have also been identified in individuals affected with autosomal dominant dilated cardiomyopathy and/or cardio-related conditions (PMID: 27869827, 32964742, Invitae internal data). In summary, the currently available evidence indicates that the variant is pathogenic, but additional data are needed to prove that conclusively. Therefore, this variant has been classified as Likely Pathogenic.

Eurofins Ntd Llc (ga)
Classification: Likely pathogenic. Last evaluated: 2018-08-28. Review status: criteria provided, single submitter. Criteria: EGL ClinVar v180209 classification definitions. Collection method: clinical testing. Allele origin: germline. Observed: 2 variant alleles, 2 heterozygotes.

PreventionGenetics, part of Exact Sciences
Classification: Likely pathogenic for TTN-related condition. Last evaluated: 2024-07-12. Review status: no assertion criteria provided. Collection method: clinical testing. Allele origin: germline. Not counted in ClinVar's aggregate classification.
Comment: The TTN c.105605_105606delTG variant is predicted to result in a frameshift and premature protein termination (p.Val35202Glyfs*5). To our knowledge, this variant has not been reported in the literature or in a large population database, indicating this variant is rare. This variant occurs in exon 359 which is located in the M-band region of the TTN protein. Exons 359-364 (Mex1-Mex6) have historically been found to harbor a significant number of pathogenic variants for TTN-related autosomal dominant and recessive muscle disorders (Hackman et al. 2002. PMID: 12145747; Evilä et al. 2014. PMID: 24395473). Other protein truncating variants in this exon (eg. c.101021_101022delGA, c.101098_101099insT, c.101996G>A, c.102718G>T) have been reported in individuals with dilated cardiomyopathy (Roberts A.M. et al. 2015. PMID: 25589632, Jansen et al. 2019. PubMed ID: 31112426). RNAseq studies from heart tissue indicate this exon is commonly included in TTN mRNA transcripts, indicating this variant is more likely to be associated with dilated cardiomyopathy (PSI of 100%). Many cases of recessive congenital TTN-related myopathies in which the individual is compound heterozygous for two loss of function variants in TTN have also been reported (See Ceyhan-Birsoy O. et al. 2013. PMID: 23975875; Chauveau C et al. 2014. PMID: 24105469; Evilä A et al. 2016. PMID: 27796757; Ge et al. 2019. PubMed ID: 31053406). In summary, we interpret this variant as likely pathogenic for both autosomal dominant and autosomal recessive TTN-related disorders.

Literature cited by the submitters: PubMed 25589632 (cited by Labcorp Genetics (formerly Invitae), Labcorp); PubMed 18948003 (cited by Labcorp Genetics (formerly Invitae), Labcorp); PubMed 23975875 (cited by Labcorp Genetics (formerly Invitae), Labcorp); PubMed 24395473 (cited by Labcorp Genetics (formerly Invitae), Labcorp); PubMed 27869827 (cited by Labcorp Genetics (formerly Invitae), Labcorp); PubMed 32964742 (cited by Labcorp Genetics (formerly Invitae), Labcorp).